The following is an entry in ClinVar:

ClinVar aggregate classification (germline): Uncertain significance (1 of 4 stars; one submission).

Submission:

GeneDx
Classification: Uncertain significance. Last evaluated: 2025-01-16. Review status: criteria provided, single submitter. Criteria: GeneDx Variant Classification Process June 2021. Collection method: clinical testing. Allele origin: germline. Affected: yes.
Comment: Not observed at significant frequency in large population cohorts (gnomAD); In silico analysis supports that this missense variant has a deleterious effect on protein structure/function; Has not been previously published as pathogenic or benign to our knowledge

NM_001003694.2(BRPF1):c.56C>T (p.Pro19Leu)

Gene: BRPF1 (bromodomain and PHD finger containing 1; plus strand). Cytogenetic location: 3p25.3.
Variant type: single nucleotide variant.
Coding change: c.56C>T on transcript NM_001003694.2 (MANE Select); coding-DNA position 56, C replaced by T.
Protein change: p.Pro19Leu; replaces proline 19 with leucine.
Molecular consequence: missense variant. On other transcripts: non-coding transcript variant (1).
Genome position (GRCh38, 1-based): chr3:9,734,196, C>T. VCF-style: chr3-9734196-C-T. GRCh37 (hg19) VCF-style: chr3-9775880-C-T.
Other names: c.56C>T, p.Pro19Leu (NM_001319049.2, NM_001319050.2, NM_001410704.1 and 1 more transcripts); short protein forms P19L.
Identifiers: ClinVar variation 4070848 (VCV004070848.1).